The following is an entry in ClinVar:

NM_000038.6(APC):c.2082C>A (p.Asp694Glu)

Gene: APC (APC regulator of Wnt signaling pathway; plus strand). Cytogenetic location: 5q22.2.
Variant type: single nucleotide variant.
Coding change: c.2082C>A on transcript NM_000038.6 (MANE Select); coding-DNA position 2082, C replaced by A.
Protein change: p.Asp694Glu; replaces aspartic acid 694 with glutamic acid.
Molecular consequence: missense variant.
Genome position (GRCh38, 1-based): chr5:112,837,676, C>A. VCF-style: chr5-112837676-C-A. GRCh37 (hg19) VCF-style: chr5-112173373-C-A.
Other names: c.2082C>A, p.Asp694Glu (NM_001127510.3, NM_001354895.2); c.2028C>A, p.Asp676Glu (NM_001127511.3); c.2136C>A, p.Asp712Glu (NM_001354896.2); c.2112C>A, p.Asp704Glu (NM_001354897.2); c.2007C>A, p.Asp669Glu (NM_001354898.2); c.1998C>A, p.Asp666Glu (NM_001354899.2); c.1959C>A, p.Asp653Glu (NM_001354900.2); c.1905C>A, p.Asp635Glu (NM_001354901.2); and 5 more; short protein forms D534E, D603E, D635E, D676E, D712E, D593E, D666E, D694E.
Identifiers: ClinVar variation 1429680 (VCV001429680.8), dbSNP rs2149860111, ClinGen allele CA16025875.

ClinVar aggregate classification (germline): Uncertain significance (1 of 4 stars; one submission).

Conditions:
Familial adenomatous polyposis 1 (FAP1). Also called: POLYPOSIS, ADENOMATOUS INTESTINAL; FAMILIAL ADENOMATOUS POLYPOSIS 1, ATTENUATED. Identifiers: MedGen C2713442, MONDO:0021056, OMIM 175100. Disease mechanism: loss of function.

Submission:

Labcorp Genetics (formerly Invitae), Labcorp
Classification: Uncertain significance for Familial adenomatous polyposis 1. Last evaluated: 2021-08-13. Review status: criteria provided, single submitter. Criteria: Invitae Variant Classification Sherloc (09022015). Collection method: clinical testing. Allele origin: germline.
Comment: In summary, the available evidence is currently insufficient to determine the role of this variant in disease. Therefore, it has been classified as a Variant of Uncertain Significance. Algorithms developed to predict the effect of missense changes on protein structure and function (SIFT, PolyPhen-2, Align-GVGD) all suggest that this variant is likely to be disruptive, but these predictions have not been confirmed by published functional studies and their clinical significance is uncertain. This variant has not been reported in the literature in individuals with APC-related conditions. This variant is not present in population databases (ExAC no frequency). This sequence change replaces aspartic acid with glutamic acid at codon 694 of the APC protein (p.Asp694Glu). The aspartic acid residue is highly conserved and there is a small physicochemical difference between aspartic acid and glutamic acid.